The following is an entry in ClinVar:

NM_152443.3(RDH12):c.758C>A (p.Pro253His)

Genes: ZFYVE26 (zinc finger FYVE-type containing 26; minus strand), GPHN (gephyrin; plus strand), RDH12 (retinol dehydrogenase 12; plus strand). Cytogenetic location: 14q24.1.
Variant type: single nucleotide variant.
Coding change: c.758C>A on transcript NM_152443.3 (MANE Select); coding-DNA position 758, C replaced by A.
Protein change: p.Pro253His; replaces proline 253 with histidine.
Molecular consequence: missense variant.
Genome position (GRCh38, 1-based): chr14:67,729,290, C>A. VCF-style: chr14-67729290-C-A. GRCh37 (hg19) VCF-style: chr14-68196007-C-A.
Other names: short protein forms P253H.
Identifiers: ClinVar variation 1431321 (VCV001431321.7), dbSNP rs770465995, ClinGen allele CA7238811.

ClinVar aggregate classification (germline): Uncertain significance (1 of 4 stars; one submission).

Conditions:
Leber congenital amaurosis 13 (LCA13). Identifiers: MedGen C2675186, MONDO:0012990, OMIM 612712.

gnomAD v4.1: 9 of 1,604,512 alleles (0.00056%); highest among the groups gnomAD compares: Admixed American, 0.0017%; no homozygotes.

Submission:

Labcorp Genetics (formerly Invitae), Labcorp
Classification: Uncertain significance for Leber congenital amaurosis 13. Last evaluated: 2024-04-03. Review status: criteria provided, single submitter. Criteria: Invitae Variant Classification Sherloc (09022015). Collection method: clinical testing. Allele origin: germline.
Comment: This sequence change replaces proline, which is neutral and non-polar, with histidine, which is basic and polar, at codon 253 of the RDH12 protein (p.Pro253His). This variant is present in population databases (rs770465995, gnomAD 0.004%). This variant has not been reported in the literature in individuals affected with RDH12-related conditions. ClinVar contains an entry for this variant (Variation ID: 1431321). Advanced modeling of protein sequence and biophysical properties (such as structural, functional, and spatial information, amino acid conservation, physicochemical variation, residue mobility, and thermodynamic stability) performed at Invitae indicates that this missense variant is not expected to disrupt RDH12 protein function with a negative predictive value of 80%. In summary, the available evidence is currently insufficient to determine the role of this variant in disease. Therefore, it has been classified as a Variant of Uncertain Significance.